The following is an entry in ClinVar:

ClinVar aggregate classification (germline): Conflicting classifications of pathogenicity. Review status: criteria provided, conflicting classifications (1 of 4 stars). 7 submissions from 7 submitters: Uncertain significance (1); Benign (3); Likely benign (3). Last evaluated 2025-03-04.

Conditions:
Hereditary cancer-predisposing syndrome. Also called: Hereditary Cancer Syndrome; Neoplastic Syndromes, Hereditary; Tumor predisposition; Hereditary neoplastic syndrome. Identifiers: Orphanet 140162, MedGen C0027672, MeSH D009386, MONDO:0015356.
Hereditary leiomyomatosis and renal cell cancer. Also called: MULTIPLE CUTANEOUS AND UTERINE LEIOMYOMATA 1, WITH OR WITHOUT RENAL CELL CARCINOMA; Reed syndrome; Multiple cutaneous and uterine leiomyomatosis; Cutaneous leiomyomata with uterine leiomyomata; Leiomyoma, hereditary multiple, of skin; Multiple cutaneous and uterine leiomyomata. Identifiers: Orphanet 523, MedGen C1708350, MONDO:0007888, OMIM 150800, HP:0007437. Disease mechanism: loss of function.

Submissions (7):

Center for Genomic Medicine, Rigshospitalet, Copenhagen University Hospital
Classification: Likely benign. Last evaluated: 2025-03-04. Review status: criteria provided, single submitter. Criteria: ACMG Guidelines, 2015. Collection method: clinical testing. Allele origin: germline.

Blueprint Genetics
Classification: Likely benign. Last evaluated: 2024-11-26. Review status: criteria provided, single submitter. Criteria: ACMG Guidelines, 2015. Collection method: clinical testing. Allele origin: germline.

Labcorp Genetics (formerly Invitae), Labcorp
Classification: Likely benign. Last evaluated: 2024-08-30. Review status: criteria provided, single submitter. Criteria: Invitae Variant Classification Sherloc (09022015). Collection method: clinical testing. Allele origin: germline.

Department of Pathology and Laboratory Medicine, Sinai Health System
Classification: Benign for hereditary leiomyomatosis and renal cell cancer. Last evaluated: 2021-07-09. Review status: criteria provided, single submitter. Criteria: ACMG Guidelines, 2015. Collection method: clinical testing. Allele origin: germline. Affected: yes.

Hereditary Cancer Laboratory, Hospital Universitario 12 de Octubre
Classification: Benign for Hereditary cancer-predisposing syndrome. Last evaluated: 2019-12-15. Review status: criteria provided, single submitter. Criteria: ACMG Guidelines, 2015. Collection method: clinical testing. Allele origin: germline.
Comment: BA1

GeneDx
Classification: Benign. Last evaluated: 2019-08-12. Review status: criteria provided, single submitter. Criteria: GeneDx Variant Classification Process June 2021. Collection method: clinical testing. Allele origin: germline. Affected: yes.

Genetic Services Laboratory, University of Chicago
Classification: Uncertain significance. Last evaluated: 2017-07-12. Review status: criteria provided, single submitter. Criteria: ACMG Guidelines, 2015. Collection method: clinical testing. Allele origin: germline. Affected: no.

NM_000143.4(FH):c.1237-50TC[22]

Gene: FH (fumarate hydratase; minus strand). Cytogenetic location: 1q43.
Variant type: Microsatellite.
Coding change: c.1237-50TC[22] on transcript NM_000143.4 (MANE Select); 22 copies in a row of the 2-base unit TC starting at c.1237-50; the reference has 19 copies in a row; three copies, 6 bases duplicated.
Molecular consequence: intron variant.
Genome position (GRCh38, 1-based): chr1:241,500,603-241,500,608, GAGAGA duplicated on the plus strand (TCTCTC on the coding strand, the reverse complement: FH is on the minus strand); duplicating any 6 consecutive bases within chr1:241,500,603-241,500,640 gives the same sequence; the position shown is the placement nearest the transcript's 3' end. VCF-style (leftmost placement, unchanged base first): chr1-241500602-T-TGAGAGA. GRCh37 (hg19) VCF-style: chr1-241663902-T-TGAGAGA.
Other names: c.1237-18_1237-13dupTCTCTC (NM_000143.4).
Identifiers: ClinVar variation 296867 (VCV000296867.20), dbSNP rs144131869, ClinGen allele CA10610820.
Genomic context (GRCh38, chr1:241,500,602, plus strand): 5'-AAACTGAAGCATCCCCCAGCAGCCTGGCTGAGTGTAACACATTTTTAATCTTTGAGTGAG[T>TGAGAGA]GAGAGAGAGAGAGAGAGAGAGAGAGAGAGAGAGAGAGACATTACTAAGGCAACATGTTTT-3'